The following is an entry in ClinVar:

ClinVar aggregate classification (germline): Pathogenic/Likely pathogenic. Review status: criteria provided, multiple submitters, no conflicts (2 of 4 stars). 2 submissions from 2 submitters: Pathogenic (1); Likely pathogenic (1). Last evaluated 2022-12-29.

Conditions:
GPHN-Related Disorders. Identifiers: MedGen CN380120.
Sulfite oxidase deficiency due to molybdenum cofactor deficiency type C. Also called: Molybdenum cofactor deficiency, complementation group C; Molybdenum cofactor deficiency C. Identifiers: Orphanet 308400, Orphanet 833, MedGen C1854990, MONDO:0014212, OMIM 615501.

Submissions (2):

Blueprint Genetics
Classification: Likely pathogenic for GPHN-related disorders. Last evaluated: 2022-12-29. Review status: criteria provided, single submitter. Criteria: ACMG Guidelines, 2015. Collection method: clinical testing. Allele origin: germline. Affected: yes. Observed: 1 variant allele.

Labcorp Genetics (formerly Invitae), Labcorp
Classification: Pathogenic for Sulfite oxidase deficiency due to molybdenum cofactor deficiency type C. Last evaluated: 2021-12-25. Review status: criteria provided, single submitter. Criteria: Invitae Variant Classification Sherloc (09022015). Collection method: clinical testing. Allele origin: germline.
Comment: This sequence change creates a premature translational stop signal (p.Tyr56*) in the GPHN gene. It is expected to result in an absent or disrupted protein product. Loss-of-function variants in GPHN are known to be pathogenic (PMID: 11095995, 23184456, 23393157). This variant is not present in population databases (gnomAD no frequency). This variant has not been reported in the literature in individuals affected with GPHN-related conditions. For these reasons, this variant has been classified as Pathogenic.

Literature cited by the submitters: PubMed 11095995 (cited by Labcorp Genetics (formerly Invitae), Labcorp); PubMed 23184456 (cited by Labcorp Genetics (formerly Invitae), Labcorp); PubMed 23393157 (cited by Labcorp Genetics (formerly Invitae), Labcorp).

NM_020806.5(GPHN):c.168C>A (p.Tyr56Ter)

Gene: GPHN (gephyrin; plus strand). Cytogenetic location: 14q23.3.
Variant type: single nucleotide variant.
Coding change: c.168C>A on transcript NM_020806.5 (MANE Select); coding-DNA position 168, C replaced by A.
Protein change: p.Tyr56Ter; replaces tyrosine 56 with a stop codon.
Molecular consequence: nonsense.
Genome position (GRCh38, 1-based): chr14:66,776,488, C>A. VCF-style: chr14-66776488-C-A. GRCh37 (hg19) VCF-style: chr14-67243206-C-A.
Other names: c.168C>A, p.Tyr56Ter (NM_001024218.2, NM_001377514.1, NM_001377515.1 and 4 more transcripts); short protein forms Y56*.
Identifiers: ClinVar variation 2059907 (VCV002059907.5), dbSNP rs2549068250, ClinGen allele CA390255221.
Genomic context (GRCh38, chr14:66,776,488, plus strand): 5'-GCTGGTTTTGAGAATATTTTCTTCTCCTAATTTCAGGTTGGGTGGGACTATATCAGCATA[C>A]AAGATAGTACCAGATGAAATAGAAGAAATCAAGGTATAGTATGGCATTTTTCACCTCTAC-3'